The following is an entry in ClinVar:

ClinVar aggregate classification (germline): Uncertain significance (1 of 4 stars; one submission).

Conditions:
Emery-Dreifuss muscular dystrophy 5, autosomal dominant (EDMD5). Also called: EMERY-DREIFUSS MUSCULAR DYSTROPHY 5. Identifiers: Orphanet 261, MedGen C2751805, MONDO:0013072, OMIM 612999.

gnomAD v4.1: 2 of 1,614,232 alleles (0.00012%); highest among the groups gnomAD compares: South Asian, 0.0022%; no homozygotes.

Submission:

Labcorp Genetics (formerly Invitae), Labcorp
Classification: Uncertain significance for Emery-Dreifuss muscular dystrophy 5, autosomal dominant. Last evaluated: 2025-04-03. Review status: criteria provided, single submitter. Criteria: Invitae Variant Classification Sherloc (09022015). Collection method: clinical testing. Allele origin: germline.
Comment: This sequence change replaces histidine, which is basic and polar, with proline, which is neutral and non-polar, at codon 5845 of the SYNE2 protein (p.His5845Pro). This variant is present in population databases (no rsID available, gnomAD 0.003%). This variant has not been reported in the literature in individuals affected with SYNE2-related conditions. An algorithm developed to predict the effect of missense changes on protein structure and function (PolyPhen-2) suggests that this variant is likely to be disruptive. In summary, the available evidence is currently insufficient to determine the role of this variant in disease. Therefore, it has been classified as a Variant of Uncertain Significance.

NM_182914.3(SYNE2):c.17534A>C (p.His5845Pro)

Gene: SYNE2 (spectrin repeat containing nuclear envelope protein 2; plus strand). Cytogenetic location: 14q23.2.
Variant type: single nucleotide variant.
Coding change: c.17534A>C on transcript NM_182914.3 (MANE Select); coding-DNA position 17534, A replaced by C.
Protein change: p.His5845Pro; replaces histidine 5845 with proline.
Molecular consequence: missense variant.
Genome position (GRCh38, 1-based): chr14:64,177,461, A>C. VCF-style: chr14-64177461-A-C. GRCh37 (hg19) VCF-style: chr14-64644179-A-C.
Other names: c.17534A>C, p.His5845Pro (NM_015180.6); short protein forms H5845P.
Identifiers: ClinVar variation 4698372 (VCV004698372.1).